The following is an entry in ClinVar:

NM_002335.4(LRP5):c.610C>G (p.Leu204Val)

Gene: LRP5 (LDL receptor related protein 5; plus strand). Cytogenetic location: 11q13.2.
Variant type: single nucleotide variant.
Coding change: c.610C>G on transcript NM_002335.4 (MANE Select); coding-DNA position 610, C replaced by G.
Protein change: p.Leu204Val; replaces leucine 204 with valine.
Molecular consequence: missense variant. On other transcripts: 5 prime UTR variant (1).
Genome position (GRCh38, 1-based): chr11:68,357,771, C>G. VCF-style: chr11-68357771-C-G. GRCh37 (hg19) VCF-style: chr11-68125239-C-G.
Other names: c.-1156C>G (NM_001291902.2); short protein forms L204V.
Identifiers: ClinVar variation 4707465 (VCV004707465.1).
Genomic context (GRCh38, chr11:68,357,771, plus strand): 5'-AGCACCCGGAAGATCATTGTGGACTCGGACATTTACTGGCCCAATGGACTGACCATCGAC[C>G]TGGAGGAGCAGAAGCTCTACTGGGCTGACGCCAAGCTCAGCTTCATCCACCGTGCCAACC-3'
Protein context (NP_002326.2, residues 194-214): IYWPNGLTID[Leu204Val]EEQKLYWADA

ClinVar aggregate classification (germline): Uncertain significance (1 of 4 stars; one submission).

Submission:

Labcorp Genetics (formerly Invitae), Labcorp
Classification: Uncertain significance. Last evaluated: 2025-07-23. Review status: criteria provided, single submitter. Criteria: Invitae Variant Classification Sherloc (09022015). Collection method: clinical testing. Allele origin: germline.
Comment: This sequence change replaces leucine, which is neutral and non-polar, with valine, which is neutral and non-polar, at codon 204 of the LRP5 protein (p.Leu204Val). This variant is not present in population databases (gnomAD no frequency). This variant has not been reported in the literature in individuals affected with LRP5-related conditions. Invitae Evidence Modeling of protein sequence and biophysical properties (such as structural, functional, and spatial information, amino acid conservation, physicochemical variation, residue mobility, and thermodynamic stability) indicates that this missense variant is not expected to disrupt LRP5 protein function with a negative predictive value of 95%. In summary, the available evidence is currently insufficient to determine the role of this variant in disease. Therefore, it has been classified as a Variant of Uncertain Significance.